The following is an entry in ClinVar:

ClinVar aggregate classification (germline): Conflicting classifications of pathogenicity. Review status: criteria provided, conflicting classifications (1 of 4 stars). 2 submissions from 2 submitters: Likely pathogenic (1); Uncertain significance (1). Last evaluated 2024-06-04.

Conditions:
Fanconi anemia (FA). Also called: Fanconi's anemia. Identifiers: Orphanet 84, MedGen C0015625, MeSH D005199, MONDO:0019391.
Ovarian cancer. Also called: OVARIAN CANCER, SOMATIC. Identifiers: Orphanet 213500, MedGen C1140680, MONDO:0008170, OMIM 167000.

Allele frequency attached by ClinVar (database versions not stated): gnomAD exomes below 0.00001; ExAC 0.00001.
gnomAD v4.1: 1 of 1,614,082 alleles (0.000062%); highest among the groups gnomAD compares: East Asian, 0.0022%; no homozygotes.

Submissions (2):

Labcorp Genetics (formerly Invitae), Labcorp
Classification: Uncertain significance for Fanconi anemia. Last evaluated: 2024-06-04. Review status: criteria provided, single submitter. Criteria: Invitae Variant Classification Sherloc (09022015). Collection method: clinical testing. Allele origin: germline.
Comment: This sequence change replaces asparagine, which is neutral and polar, with tyrosine, which is neutral and polar, at codon 1140 of the FANCA protein (p.Asn1140Tyr). This variant is present in population databases (rs774278686, gnomAD 0.006%). This variant has not been reported in the literature in individuals affected with FANCA-related conditions. ClinVar contains an entry for this variant (Variation ID: 1921119). Advanced modeling of protein sequence and biophysical properties (such as structural, functional, and spatial information, amino acid conservation, physicochemical variation, residue mobility, and thermodynamic stability) performed at Invitae indicates that this missense variant is not expected to disrupt FANCA protein function with a negative predictive value of 80%. In summary, the available evidence is currently insufficient to determine the role of this variant in disease. Therefore, it has been classified as a Variant of Uncertain Significance.

Laboratory of Molecular Epidemiology of Birth Defects, West China Second University Hospital, Sichuan University
Classification: Likely pathogenic for Ovarian cancer. Last evaluated: 2022-01-01. Review status: criteria provided, single submitter. Criteria: ACMG Guidelines, 2015. Collection method: clinical testing. Allele origin: germline. Affected: yes.

NM_000135.4(FANCA):c.3418A>T (p.Asn1140Tyr)

Gene: FANCA (FA complementation group A; minus strand). Cytogenetic location: 16q24.3.
Variant type: single nucleotide variant.
Coding change: c.3418A>T on transcript NM_000135.4 (MANE Select); coding-DNA position 3418, A replaced by T.
Protein change: p.Asn1140Tyr; replaces asparagine 1140 with tyrosine.
Molecular consequence: missense variant.
Genome position (GRCh38, 1-based): chr16:89,746,679, T>A on the plus strand (A>T on the coding strand, the complement: FANCA is on the minus strand). VCF-style: chr16-89746679-T-A. GRCh37 (hg19) VCF-style: chr16-89813087-T-A.
Other names: c.3418A>T, p.Asn1140Tyr (NM_001286167.3); short protein forms N1140Y.
Identifiers: ClinVar variation 1921119 (VCV001921119.7), dbSNP rs774278686, ClinGen allele CA8251159.
Genomic context (GRCh38, chr16:89,746,679, plus strand): 5'-GGCACTTGGCCAGTATGAAGTCGACCATCAGGGAGGGGTCTCTGCTCCGCAGACAGGCGT[T>A]CAGGAGGCCCTGCAGGAGAGAACGCAGCAGGAGGTCAGCGGTTTGTGAGGACCCACAACT-3'
Protein context (NP_000126.2, residues 1130-1150): ITAHFFRGLL[Asn1140Tyr]ACLRSRDPSL